The following is an entry in ClinVar:

NM_002887.4(RARS1):c.370-174G>T

Gene: RARS1 (arginyl-tRNA synthetase 1; plus strand). Cytogenetic location: 5q34.
Variant type: single nucleotide variant.
Coding change: c.370-174G>T on transcript NM_002887.4 (MANE Select); 174 bases into the intron before coding-DNA position 370, G replaced by T.
Molecular consequence: intron variant.
Genome position (GRCh38, 1-based): chr5:168,493,720, G>T. VCF-style: chr5-168493720-G-T. GRCh37 (hg19) VCF-style: chr5-167920725-G-T.
Identifiers: ClinVar variation 669545 (VCV000669545.1), dbSNP rs9647573, ClinGen allele CA12041757.

ClinVar aggregate classification (germline): Benign (1 of 4 stars; one submission).

Allele frequency attached by ClinVar (database versions not stated): 1000 Genomes Project 0.12400; 1000 Genomes Project 30x 0.12601; TOPMed 0.14753; gnomAD 0.15495 and 0.15769.
gnomAD v4.1: 23,485 of 151,224 alleles (16%); highest among the groups gnomAD compares: Non-Finnish European, 19%; 2,029 homozygotes.

Submission:

GeneDx
Classification: Benign. Last evaluated: 2018-06-14. Review status: criteria provided, single submitter. Criteria: GeneDx Variant Classification (06012015). Collection method: clinical testing. Allele origin: germline. Affected: yes.
Comment: This variant is considered likely benign or benign based on one or more of the following criteria: it is a conservative change, it occurs at a poorly conserved position in the protein, it is predicted to be benign by multiple in silico algorithms, and/or has population frequency not consistent with disease.